The following is an entry in ClinVar:

ClinVar aggregate classification (germline): Likely pathogenic (1 of 4 stars; one submission).

Conditions:
Primary dilated cardiomyopathy (DCM). Also called: Dilated Cardiomyopathy. Identifiers: Orphanet 217604, MedGen C0007193, MeSH D002311, MONDO:0005021, HP:0001644. Inheritance: Various modes of inheritance.

Submission:

Laboratory for Molecular Medicine, Mass General Brigham Personalized Medicine
Classification: Likely pathogenic for Primary dilated cardiomyopathy. Last evaluated: 2015-06-12. Review status: criteria provided, single submitter. Criteria: LMM Criteria. Collection method: clinical testing. Allele origin: germline. Inheritance: Autosomal dominant inheritance. Observed: 1 variant allele.
Comment: The p.Gln29522X variant in TTN has not been previously reported in individuals w ith cardiomyopathy and was absent from large population studies. This nonsense v ariant leads to a premature termination codon at position 29522, which is predic ted to lead to a truncated or absent protein. Nonsense and other truncating vari ants in TTN are strongly associated with DCM if they are located in the exons en coding for the A-band (Herman 2012, Pugh 2014) and/or are located in an exon tha t is highly expressed in the heart (Roberts 2015). The p.Gln29522X variant is lo cated in the highly expressed exon 295 in the A-band. In summary, this variant is likely pathogenic, though additional studies are required to fully establish its clinical significance.

NM_001267550.2(TTN):c.96268C>T (p.Gln32090Ter)

Genes: TTN (titin; minus strand), TTN-AS1 (TTN antisense RNA 1; plus strand), LOC126806421 (CDK7 strongly-dependent group 2 enhancer GRCh37_chr2:179407630-179408829; plus strand). Cytogenetic location: 2q31.2.
Variant type: single nucleotide variant.
Coding change: c.96268C>T on transcript NM_001267550.2 (MANE Select); coding-DNA position 96268, C replaced by T.
Protein change: p.Gln32090Ter; replaces glutamine 32090 with a stop codon.
Molecular consequence: nonsense.
Genome position (GRCh38, 1-based): chr2:178,543,876, G>A on the plus strand (C>T on the coding strand, the complement: TTN is on the minus strand). VCF-style: chr2-178543876-G-A. GRCh37 (hg19) VCF-style: chr2-179408603-G-A.
Other names: c.88564C>T, p.Gln29522Ter (NM_133378.4); c.91345C>T, p.Gln30449Ter (NM_001256850.1); c.69073C>T, p.Gln23025Ter (NM_003319.4); c.69448C>T, p.Gln23150Ter (NM_133432.3); c.69649C>T, p.Gln23217Ter (NM_133437.4); short protein forms Q29522*, Q32090*, Q23025*, Q23217*, Q30449*, Q23150*.
Identifiers: ClinVar variation 228308 (VCV000228308.5), dbSNP rs876657671, ClinGen allele CA10576457.